The following is an entry in ClinVar:

ClinVar aggregate classification (germline): Likely benign (1 of 4 stars; one submission).

Allele frequency attached by ClinVar (database versions not stated): 1000 Genomes Project 0.00998; gnomAD 0.01032; TOPMed 0.01158.
gnomAD v4.1: 1,560 of 152,334 alleles (1%); highest among the groups gnomAD compares: African/African-American, 3.6%; 27 homozygotes.

Submission:

GeneDx
Classification: Likely benign. Last evaluated: 2021-05-25. Review status: criteria provided, single submitter. Criteria: GeneDx Variant Classification Process June 2021. Collection method: clinical testing. Allele origin: germline. Affected: yes.
Comment: See Variant Classification Assertion Criteria.

NM_005050.4(ABCD4):c.669-173C>G

Gene: ABCD4 (ATP binding cassette subfamily D member 4; minus strand). Cytogenetic location: 14q24.3.
Variant type: single nucleotide variant.
Coding change: c.669-173C>G on transcript NM_005050.4 (MANE Select); 173 bases into the intron before coding-DNA position 669, C replaced by G.
Molecular consequence: intron variant.
Genome position (GRCh38, 1-based): chr14:74,295,371, G>C on the plus strand (C>G on the coding strand, the complement: ABCD4 is on the minus strand). VCF-style: chr14-74295371-G-C. GRCh37 (hg19) VCF-style: chr14-74762074-G-C.
Other names: c.-26-173C>G (NM_001353607.2, NM_001353604.2, NM_001353603.2 and 6 more transcripts); c.192-173C>G (NM_001353598.2, NM_001353601.2, NM_001353600.2 and 2 more transcripts); c.407+483C>G (NM_001353594.2); c.408-173C>G (NM_001353593.2); c.254+483C>G (NM_001353597.2); c.255-173C>G (NM_001353596.2, NM_001353595.2); c.543-173C>G (NM_001353591.2, NM_001353592.2); c.669-173C>G (NM_020325.3).
Identifiers: ClinVar variation 1706828 (VCV001706828.2), dbSNP rs73309283, ClinGen allele CA263574506.
Genomic context (GRCh38, chr14:74,295,371, plus strand): 5'-CGTGGCTGCCTCAGTCTGACCCTTTCCTGGACTGTTATGGGGTAGAAAACCCCAGGGCTA[G>C]GTGGTGTGGCAGGAGCTCTGCAGAGACAGGGCTGCCCCTCAGCTTTCTGCAGAGAGGACA-3'